The following is an entry in ClinVar:

NM_001367561.1(DOCK7):c.3518T>C (p.Met1173Thr)

Gene: DOCK7 (dedicator of cytokinesis 7; minus strand). Cytogenetic location: 1p31.3.
Variant type: single nucleotide variant.
Coding change: c.3518T>C on transcript NM_001367561.1 (MANE Select); coding-DNA position 3518, T replaced by C.
Protein change: p.Met1173Thr; replaces methionine 1173 with threonine.
Molecular consequence: missense variant.
Genome position (GRCh38, 1-based): chr1:62,535,586, A>G on the plus strand (T>C on the coding strand, the complement: DOCK7 is on the minus strand). VCF-style: chr1-62535586-A-G. GRCh37 (hg19) VCF-style: chr1-63001257-A-G.
Other names: c.3425T>C (NM_033407.2); c.3518T>C (NM_001271999.1); c.3518T>C, p.Met1173Thr (NM_001271999.2, NM_001330614.2); c.3425T>C, p.Met1142Thr (NM_001272000.2, NM_001272001.2, NM_033407.4); short protein forms M1142T, M1173T.
Identifiers: ClinVar variation 2184706 (VCV002184706.5), dbSNP rs1230936569, ClinGen allele CA340604943.

ClinVar aggregate classification (germline): Uncertain significance. Review status: criteria provided, multiple submitters, no conflicts (2 of 4 stars). 3 submissions from 3 submitters: Uncertain significance (3). Last evaluated 2025-10-29.

Conditions:
Developmental and epileptic encephalopathy, 23 (DEE23). Also called: Epileptic encephalopathy, early infantile, 23. Identifiers: Orphanet 411986, MedGen C4014492, MONDO:0014371, OMIM 615859.
Inborn genetic diseases. Identifiers: MedGen C0950123, MeSH D030342.

Allele frequency attached by ClinVar (database versions not stated): gnomAD 0.00002; TOPMed 0.00002; gnomAD exomes 0.00003.

Submissions (3):

Labcorp Genetics (formerly Invitae), Labcorp
Classification: Uncertain significance for Developmental and epileptic encephalopathy, 23. Last evaluated: 2025-10-29. Review status: criteria provided, single submitter. Criteria: Invitae Variant Classification Sherloc (09022015). Collection method: clinical testing. Allele origin: germline.
Comment: This sequence change replaces methionine, which is neutral and non-polar, with threonine, which is neutral and polar, at codon 1173 of the DOCK7 protein (p.Met1173Thr). This variant is present in population databases (no rsID available, gnomAD 0.004%). This variant has not been reported in the literature in individuals affected with DOCK7-related conditions. ClinVar contains an entry for this variant (Variation ID: 2184706). Invitae Evidence Modeling of protein sequence and biophysical properties (such as structural, functional, and spatial information, amino acid conservation, physicochemical variation, residue mobility, and thermodynamic stability) has been performed for this missense variant. However, the output from this modeling did not meet the statistical confidence thresholds required to predict the impact of this variant on DOCK7 protein function. In summary, the available evidence is currently insufficient to determine the role of this variant in disease. Therefore, it has been classified as a Variant of Uncertain Significance.

Ambry Genetics
Classification: Uncertain significance for Inborn genetic diseases. Last evaluated: 2023-11-14. Review status: criteria provided, single submitter. Criteria: Ambry Variant Classification Scheme 2023. Collection method: clinical testing. Allele origin: germline.

Victorian Clinical Genetics Services, Murdoch Childrens Research Institute
Classification: Uncertain significance for Developmental and epileptic encephalopathy, 23. Last evaluated: 2023-07-17. Review status: criteria provided, single submitter. Criteria: ACMG Guidelines, 2015. Collection method: clinical testing. Allele origin: germline. Inheritance: Autosomal recessive inheritance. Affected: yes.
Comment: Based on the classification scheme VCGS_Germline_v1.3.4, this variant is classified as VUS-3B. Following criteria are met: 0102 - Loss of function is a known mechanism of disease in this gene and is associated with developmental and epileptic encephalopathy 23 (MIM#615859). (I) 0106 - This gene is associated with autosomal recessive disease. (I) 0200 - Variant is predicted to result in a missense amino acid change from methionine to threonine. (I) 0251 - This variant is heterozygous. (I) 0304 - Variant is present in gnomAD (v3) <0.01 for a recessive condition (4 heterozygotes, 0 homozygotes). (SP) 0502 - Missense variant with conflicting in silico predictions and uninformative conservation. (I) 0604 - Variant is not located in an established domain, motif, hotspot or informative constraint region. (I) 0705 - No comparable missense variants have previous evidence for pathogenicity. (I) 0807 - This variant has no previous evidence of pathogenicity. (I) 0905 - No published segregation evidence has been identified for this variant. (I) 1007 - No published functional evidence has been identified for this variant. (I) 1208 - Inheritance information for this variant is not currently available in this individual. (I) Legend: (SP) - Supporting pathogenic, (I) - Information, (SB) - Supporting benign